The following is an entry in ClinVar:

ClinVar aggregate classification (germline): Uncertain significance (1 of 4 stars; one submission).

Conditions:
Epileptic encephalopathy. Identifiers: MedGen C0543888, HP:0200134.

gnomAD v4.1: 1 of 1,612,884 alleles (0.000062%); highest among the groups gnomAD compares: South Asian, 0.0011%; no homozygotes.

Submission:

Labcorp Genetics (formerly Invitae), Labcorp
Classification: Uncertain significance for Epileptic encephalopathy. Last evaluated: 2024-08-08. Review status: criteria provided, single submitter. Criteria: Invitae Variant Classification Sherloc (09022015). Collection method: clinical testing. Allele origin: germline.
Comment: This sequence change replaces serine, which is neutral and polar, with isoleucine, which is neutral and non-polar, at codon 1804 of the FASN protein (p.Ser1804Ile). This variant is not present in population databases (gnomAD no frequency). This variant has not been reported in the literature in individuals affected with FASN-related conditions. An algorithm developed to predict the effect of missense changes on protein structure and function (PolyPhen-2) suggests that this variant is likely to be tolerated. In summary, the available evidence is currently insufficient to determine the role of this variant in disease. Therefore, it has been classified as a Variant of Uncertain Significance.

NM_004104.5(FASN):c.5411G>T (p.Ser1804Ile)

Gene: FASN (fatty acid synthase; minus strand). Cytogenetic location: 17q25.3.
Variant type: single nucleotide variant.
Coding change: c.5411G>T on transcript NM_004104.5 (MANE Select); coding-DNA position 5411, G replaced by T.
Protein change: p.Ser1804Ile; replaces serine 1804 with isoleucine.
Molecular consequence: missense variant.
Genome position (GRCh38, 1-based): chr17:82,083,356, C>A on the plus strand (G>T on the coding strand, the complement: FASN is on the minus strand). VCF-style: chr17-82083356-C-A. GRCh37 (hg19) VCF-style: chr17-80041232-C-A.
Other names: short protein forms S1804I.
Identifiers: ClinVar variation 3661763 (VCV003661763.2).